The following is an entry in ClinVar:

NM_006648.4(WNK2):c.328G>T (p.Ala110Ser)

Gene: WNK2 (WNK lysine deficient protein kinase 2; plus strand). Cytogenetic location: 9q22.31.
Variant type: single nucleotide variant.
Coding change: c.328G>T on transcript NM_006648.4 (MANE Select); coding-DNA position 328, G replaced by T.
Protein change: p.Ala110Ser; replaces alanine 110 with serine.
Molecular consequence: missense variant.
Genome position (GRCh38, 1-based): chr9:93,185,257, G>T. VCF-style: chr9-93185257-G-T. GRCh37 (hg19) VCF-style: chr9-95947539-G-T.
Other names: c.328G>T, p.Ala110Ser (NM_001282394.3); short protein forms A110S.
Identifiers: ClinVar variation 3981847 (VCV003981847.1).

ClinVar aggregate classification (germline): Uncertain significance (1 of 4 stars; one submission).

gnomAD v4.1: 5 of 1,267,818 alleles (0.00039%); highest among the groups gnomAD compares: African/African-American, 0.0016%; no homozygotes.

Submission:

Ambry Genetics
Classification: Uncertain significance. Last evaluated: 2025-04-10. Review status: criteria provided, single submitter. Criteria: Ambry Variant Classification Scheme 2023. Collection method: clinical testing. Allele origin: germline.
Comment: The p.A110S variant (also known as c.328G>T), located in coding exon 1 of the WNK2 gene, results from a G to T substitution at nucleotide position 328. The alanine at codon 110 is replaced by serine, an amino acid with similar properties. This amino acid position is conserved. In addition, this alteration is predicted to be tolerated by in silico analysis. Based on the available evidence, the clinical significance of this variant remains unclear.